The following is an entry in ClinVar:

ClinVar aggregate classification (germline): Uncertain significance. Review status: criteria provided, multiple submitters, no conflicts (2 of 4 stars). 3 submissions from 3 submitters: Uncertain significance (3). Last evaluated 2024-11-19.

Conditions:
Hereditary nonpolyposis colorectal neoplasms. Identifiers: MedGen C0009405, MeSH D003123.
Hereditary cancer-predisposing syndrome. Also called: Hereditary Cancer Syndrome; Hereditary neoplastic syndrome; Neoplastic Syndromes, Hereditary; Tumor predisposition. Identifiers: Orphanet 140162, MedGen C0027672, MeSH D009386, MONDO:0015356.

gnomAD v4.1: 1 of 1,614,094 alleles (0.000062%); highest among the groups gnomAD compares: South Asian, 0.0011%; no homozygotes.

Submissions (3):

Labcorp Genetics (formerly Invitae), Labcorp
Classification: Uncertain significance for Hereditary nonpolyposis colorectal neoplasms. Last evaluated: 2024-11-19. Review status: criteria provided, single submitter. Criteria: Invitae Variant Classification Sherloc (09022015). Collection method: clinical testing. Allele origin: germline.
Comment: This sequence change replaces leucine, which is neutral and non-polar, with proline, which is neutral and non-polar, at codon 206 of the PMS2 protein (p.Leu206Pro). This variant is not present in population databases (gnomAD no frequency). This variant has not been reported in the literature in individuals affected with PMS2-related conditions. ClinVar contains an entry for this variant (Variation ID: 1752062). Invitae Evidence Modeling incorporating data from in vitro experimental studies (internal data) indicates that this missense variant is not expected to disrupt PMS2 function with a negative predictive value of 95%. In summary, the available evidence is currently insufficient to determine the role of this variant in disease. Therefore, it has been classified as a Variant of Uncertain Significance.

Ambry Genetics
Classification: Uncertain significance for Hereditary cancer-predisposing syndrome. Last evaluated: 2022-03-17. Review status: criteria provided, single submitter. Criteria: Ambry Variant Classification Scheme 2023. Collection method: clinical testing. Allele origin: germline.
Comment: The p.L206P variant (also known as c.617T>C), located in coding exon 6 of the PMS2 gene, results from a T to C substitution at nucleotide position 617. The leucine at codon 206 is replaced by proline, an amino acid with similar properties. This amino acid position is poorly conserved in available vertebrate species. In addition, this alteration is predicted to be tolerated by in silico analysis. Since supporting evidence is limited at this time, the clinical significance of this alteration remains unclear.

Blueprint Genetics
Classification: Uncertain significance. Last evaluated: 2018-11-08. Review status: criteria provided, single submitter. Criteria: ACMG Guidelines, 2015. Collection method: clinical testing. Allele origin: germline.

NM_000535.7(PMS2):c.617T>C (p.Leu206Pro)

Gene: PMS2 (PMS1 homolog 2, mismatch repair system component; minus strand). Cytogenetic location: 7p22.1.
Variant type: single nucleotide variant.
Coding change: c.617T>C on transcript NM_000535.7 (MANE Select); coding-DNA position 617, T replaced by C.
Protein change: p.Leu206Pro; replaces leucine 206 with proline.
Molecular consequence: missense variant. On other transcripts: 5 prime UTR variant (2), non-coding transcript variant (1), intron variant (1).
Genome position (GRCh38, 1-based): chr7:5,999,196, A>G on the plus strand (T>C on the coding strand, the complement: PMS2 is on the minus strand). VCF-style: chr7-5999196-A-G. GRCh37 (hg19) VCF-style: chr7-6038827-A-G.
Other names: c.212T>C, p.Leu71Pro (NM_001018040.1, NM_001322003.2, NM_001322004.2 and 20 more transcripts); c.617T>C, p.Leu206Pro (NM_001322006.2, NM_001322014.2, NM_001406870.1 and 4 more transcripts); c.299T>C, p.Leu100Pro (NM_001322007.2, NM_001322008.2, NM_001406876.1 and 4 more transcripts); c.-317T>C (NM_001322011.2, NM_001322012.2); c.308T>C, p.Leu103Pro (NM_001322015.2, NM_001406875.1, NM_001406877.1 and 6 more transcripts); c.803T>C, p.Leu268Pro (NM_001406866.1); c.641T>C, p.Leu214Pro (NM_001406868.1); c.281T>C, p.Leu94Pro (NM_001406885.1); and 1 more; short protein forms L103P, L268P, L71P, L94P, L100P, L206P, L214P.
Identifiers: ClinVar variation 1752062 (VCV001752062.6), dbSNP rs1784810263, ClinGen allele CA366743974.